The following is an entry in ClinVar:

NM_002471.4(MYH6):c.453G>A (p.Pro151=)

Genes: MYH6 (myosin heavy chain 6; minus strand), LOC114827851 (VISTA enhancer hs2155; plus strand). Cytogenetic location: 14q11.2.
Variant type: single nucleotide variant.
Coding change: c.453G>A on transcript NM_002471.4 (MANE Select); coding-DNA position 453, G replaced by A.
Protein change: p.Pro151=; no amino-acid change (proline 151 retained).
Molecular consequence: synonymous variant.
Genome position (GRCh38, 1-based): chr14:23,405,272, C>T on the plus strand (G>A on the coding strand, the complement: MYH6 is on the minus strand). VCF-style: chr14-23405272-C-T. GRCh37 (hg19) VCF-style: chr14-23874481-C-T.
Identifiers: ClinVar variation 704030 (VCV000704030.11), dbSNP rs777360238, ClinGen allele CA7116162.
Genomic context (GRCh38, chr14:23,405,272, plus strand): 5'-ACCAGGCTCACCTGTCAGCATGTACTGATAGGCGTTGTCGGAGATGGAGAAGATGTGGGG[C>T]GGGGCCTCACTCCTCTTCTTGCCCCGGTAGGCGGCCACCACCTCGGCATTGTACACCGGC-3'
Protein context (NP_002462.2, residues 141-161): AYRGKKRSEA[Pro151=]PHIFSISDNA

ClinVar aggregate classification (germline): Likely benign. Review status: criteria provided, multiple submitters, no conflicts (2 of 4 stars). 3 submissions from 3 submitters: Likely benign (3). Last evaluated 2026-07-06.

Conditions:
MYH6-related disorder. Also called: MYH6-related condition; MYH6-Related Disorders.
Cardiovascular phenotype. Identifiers: MedGen CN230736.
Hypertrophic cardiomyopathy 14. Identifiers: MedGen C2750467, MONDO:0013197, OMIM 613251.

Allele frequency attached by ClinVar (database versions not stated): ExAC 0.00002; gnomAD exomes 0.00002.
gnomAD v4.1: 30 of 1,614,018 alleles (0.0019%); highest among the groups gnomAD compares: Admixed American, 0.0083%; no homozygotes.

Submissions (3):

PreventionGenetics, part of Exact Sciences
Classification: Likely benign for MYH6-related condition. Last evaluated: 2026-07-06. Review status: criteria provided, single submitter. Criteria: ACMG Guidelines, 2015. Collection method: clinical testing. Allele origin: germline.
Comment: This variant is classified as likely benign based on ACMG/AMP sequence variant interpretation guidelines (Richards et al. 2015 PMID: 25741868, with internal and published modifications).

Labcorp Genetics (formerly Invitae), Labcorp
Classification: Likely benign for Hypertrophic cardiomyopathy 14. Last evaluated: 2025-12-08. Review status: criteria provided, single submitter. Criteria: Invitae Variant Classification Sherloc (09022015). Collection method: clinical testing. Allele origin: germline.

Ambry Genetics
Classification: Likely benign for Cardiovascular phenotype. Last evaluated: 2022-01-10. Review status: criteria provided, single submitter. Criteria: Ambry Variant Classification Scheme 2023. Collection method: clinical testing. Allele origin: germline.